The following is an entry in ClinVar:

ClinVar aggregate classification (germline): Pathogenic/Likely pathogenic. Review status: criteria provided, multiple submitters, no conflicts (2 of 4 stars). 2 submissions from 2 submitters: Pathogenic (1); Likely pathogenic (1). Last evaluated 2022-05-05.

Conditions:
Dilated cardiomyopathy 1G (CMD1G). Identifiers: Orphanet 154, MedGen C1858763, MONDO:0011400, OMIM 604145.
Autosomal recessive limb-girdle muscular dystrophy type 2J (LGMDR10). Also called: Limb-girdle muscular dystrophy, type 2J; MUSCULAR DYSTROPHY, LIMB-GIRDLE, AUTOSOMAL RECESSIVE 10. Identifiers: Orphanet 140922, MedGen C1837342, MONDO:0012127, OMIM 608807.

Submissions (2):

Labcorp Genetics (formerly Invitae), Labcorp
Classification: Likely pathogenic for Dilated cardiomyopathy 1G; Autosomal recessive limb-girdle muscular dystrophy type 2J. Last evaluated: 2022-05-05. Review status: criteria provided, single submitter. Criteria: Invitae Variant Classification Sherloc (09022015). Collection method: clinical testing. Allele origin: germline.
Comment: This variant is located in the M band of TTN (PMID: 25589632). Truncating variants in this region have been previously reported in individuals affected with autosomal recessive myopathy and muscular dystrophy (PMID: 18948003, 23975875, 24395473), but have not been definitively shown to cause cardiomyopathy (PMID: 25589632). In summary, the currently available evidence indicates that the variant is pathogenic, but additional data are needed to prove that conclusively. Therefore, this variant has been classified as Likely Pathogenic. ClinVar contains an entry for this variant (Variation ID: 1030169). This variant has not been reported in the literature in individuals affected with TTN-related conditions. This variant is not present in population databases (gnomAD no frequency). This sequence change affects an acceptor splice site in intron 360 of the TTN gene. It is expected to disrupt RNA splicing and likely results in a truncated or disrupted TTN protein.

Baylor Genetics
Classification: Pathogenic for Autosomal recessive limb-girdle muscular dystrophy type 2J. Last evaluated: 2019-09-26. Review status: criteria provided, single submitter. Criteria: ACMG Guidelines, 2015. Collection method: clinical testing. Allele origin: unknown. Affected: yes.
Comment: This variant was determined to be pathogenic according to ACMG Guidelines, 2015 [PMID:25741868].

Literature cited by the submitters: PubMed 25589632 (cited by Labcorp Genetics (formerly Invitae), Labcorp); PubMed 18948003 (cited by Labcorp Genetics (formerly Invitae), Labcorp); PubMed 23975875 (cited by Labcorp Genetics (formerly Invitae), Labcorp); PubMed 24395473 (cited by Labcorp Genetics (formerly Invitae), Labcorp).

NM_001267550.2(TTN):c.107224-1G>C

Genes: TTN (titin; minus strand), TTN-AS1 (TTN antisense RNA 1; plus strand). Cytogenetic location: 2q31.2.
Variant type: single nucleotide variant.
Coding change: c.107224-1G>C on transcript NM_001267550.2 (MANE Select); the canonical splice acceptor site of the intron before coding-DNA position 107224, G replaced by C.
Molecular consequence: splice acceptor variant.
Genome position (GRCh38, 1-based): chr2:178,528,428, C>G on the plus strand (G>C on the coding strand, the complement: TTN is on the minus strand). VCF-style: chr2-178528428-C-G. GRCh37 (hg19) VCF-style: chr2-179393155-C-G.
Other names: c.80029-1G>C (NM_003319.4); c.80605-1G>C (NM_133437.4); c.80404-1G>C (NM_133432.3); c.99520-1G>C (NM_133378.4); c.102301-1G>C (NM_001256850.1).
Identifiers: ClinVar variation 1030169 (VCV001030169.6), dbSNP rs112720067, ClinGen allele CA349401545.